The following is an entry in ClinVar:

ClinVar aggregate classification (germline): Uncertain significance. Review status: criteria provided, multiple submitters, no conflicts (2 of 4 stars). 2 submissions from 2 submitters: Uncertain significance (2). Last evaluated 2022-01-28.

Conditions:
Hypercholesterolemia, autosomal dominant, type B (FHCL2). Also called: Familial hypercholesterolemia 2; Familial Hypercholesterolemia Type B; APOLIPOPROTEIN B-100, FAMILIAL DEFECTIVE; APOLIPOPROTEIN B-100, FAMILIAL LIGAND-DEFECTIVE; HYPERCHOLESTEROLEMIA, FAMILIAL, DUE TO LIGAND-DEFECTIVE APOLIPOPROTEIN B; APOB-Related Familial Hypercholesterolemia, Autosomal Dominant. Identifiers: MedGen C1704417, MONDO:0007751, OMIM 144010.
Familial hypobetalipoproteinemia 1. Also called: Hypobetalipoproteinemia, normotriglyceridemic; Acanthocytosis with hypobetalipoproteinemia; APOB-Related Familial Hypobetalipoproteinemia. Identifiers: MedGen C4551990, MONDO:0014252, OMIM 615558.

Allele frequency attached by ClinVar (database versions not stated): gnomAD exomes below 0.00001 and 0.00001.
gnomAD v4.1: 2 of 1,614,088 alleles (0.00012%); highest among the groups gnomAD compares: Admixed American, 0.0033%; no homozygotes.

Submissions (2):

Labcorp Genetics (formerly Invitae), Labcorp
Classification: Uncertain significance for Familial hypobetalipoproteinemia 1; Hypercholesterolemia, autosomal dominant, type B. Last evaluated: 2022-01-28. Review status: criteria provided, single submitter. Criteria: Invitae Variant Classification Sherloc (09022015). Collection method: clinical testing. Allele origin: germline.
Comment: This sequence change replaces tyrosine, which is neutral and polar, with cysteine, which is neutral and slightly polar, at codon 4534 of the APOB protein (p.Tyr4534Cys). This variant is present in population databases (no rsID available, gnomAD 0.006%). This variant has not been reported in the literature in individuals affected with APOB-related conditions. ClinVar contains an entry for this variant (Variation ID: 334067). Algorithms developed to predict the effect of missense changes on protein structure and function output the following: SIFT: "Deleterious"; PolyPhen-2: "Possibly Damaging"; Align-GVGD: "Class C0". The cysteine amino acid residue is found in multiple mammalian species, which suggests that this missense change does not adversely affect protein function. In summary, the available evidence is currently insufficient to determine the role of this variant in disease. Therefore, it has been classified as a Variant of Uncertain Significance.

Fulgent Genetics
Classification: Uncertain significance for Hypercholesterolemia, autosomal dominant, type B; Familial hypobetalipoproteinemia 1. Last evaluated: 2021-08-13. Review status: criteria provided, single submitter. Criteria: ACMG Guidelines, 2015. Collection method: clinical testing. Allele origin: unknown.

NM_000384.3(APOB):c.13601A>G (p.Tyr4534Cys)

Genes: APOB (apolipoprotein B; minus strand), APOB3'MAR (APOB 3' scaffold/matrix attachment region; plus strand). Cytogenetic location: 2p24.1.
Variant type: single nucleotide variant.
Coding change: c.13601A>G on transcript NM_000384.3 (MANE Select); coding-DNA position 13601, A replaced by G.
Protein change: p.Tyr4534Cys; replaces tyrosine 4534 with cysteine.
Molecular consequence: missense variant.
Genome position (GRCh38, 1-based): chr2:21,001,821, T>C on the plus strand (A>G on the coding strand, the complement: APOB is on the minus strand). VCF-style: chr2-21001821-T-C. GRCh37 (hg19) VCF-style: chr2-21224693-T-C.
Other names: short protein forms Y4534C.
Identifiers: ClinVar variation 334067 (VCV000334067.14), dbSNP rs886055571, ClinGen allele CA10614121.